The following is an entry in ClinVar:

ClinVar aggregate classification (germline): Likely benign (0 of 4 stars; one submission).

Conditions:
COL2A1-related disorder. Also called: COL2A1-related condition; COL2A1-related disorders.

Allele frequency attached by ClinVar (database versions not stated): ExAC 0.00001; gnomAD 0.00001; TOPMed 0.00002.
gnomAD v4.1: 29 of 1,613,956 alleles (0.0018%); highest among the groups gnomAD compares: Non-Finnish European, 0.0024%; no homozygotes.

Submission:

PreventionGenetics, part of Exact Sciences
Classification: Likely benign for COL2A1-related condition. Last evaluated: 2023-02-15. Review status: no assertion criteria provided. Collection method: clinical testing. Allele origin: germline.
Comment: This variant is classified as likely benign based on ACMG/AMP sequence variant interpretation guidelines (Richards et al. 2015 PMID: 25741868, with internal and published modifications).

NM_001844.5(COL2A1):c.1419+25G>C

Gene: COL2A1 (collagen type II alpha 1 chain; minus strand). Cytogenetic location: 12q13.11.
Variant type: single nucleotide variant.
Coding change: c.1419+25G>C on transcript NM_001844.5 (MANE Select); 25 bases into the intron after coding-DNA position 1419, G replaced by C.
Molecular consequence: intron variant.
Genome position (GRCh38, 1-based): chr12:47,986,810, C>G on the plus strand (G>C on the coding strand, the complement: COL2A1 is on the minus strand). VCF-style: chr12-47986810-C-G. GRCh37 (hg19) VCF-style: chr12-48380593-C-G.
Other names: c.1212+25G>C (NM_033150.3).
Identifiers: ClinVar variation 3044752 (VCV003044752.2), dbSNP rs747643907, ClinGen allele CA6535483.